The following is an entry in ClinVar:

ClinVar aggregate classification (germline): Uncertain significance (1 of 4 stars; one submission).

Conditions:
Neurofibromatosis, type 1 (NF1). Also called: VON RECKLINGHAUSEN DISEASE; NEUROFIBROMATOSIS, TYPE I, SOMATIC; Peripheral type neurofibromatosis; Neurofibromatosis, type I. Identifiers: Orphanet 636, MedGen C0027831, MONDO:0018975, OMIM 162200. Disease mechanism: loss of function.

Allele frequency attached by ClinVar (database versions not stated): gnomAD exomes below 0.00001.

Submission:

Labcorp Genetics (formerly Invitae), Labcorp
Classification: Uncertain significance for Neurofibromatosis, type 1. Last evaluated: 2024-05-20. Review status: criteria provided, single submitter. Criteria: Invitae Variant Classification Sherloc (09022015). Collection method: clinical testing. Allele origin: germline.
Comment: This sequence change replaces alanine, which is neutral and non-polar, with threonine, which is neutral and polar, at codon 928 of the NF1 protein (p.Ala928Thr). This variant is present in population databases (no rsID available, gnomAD 0.003%). This variant has not been reported in the literature in individuals affected with NF1-related conditions. ClinVar contains an entry for this variant (Variation ID: 457600). Advanced modeling of protein sequence and biophysical properties (such as structural, functional, and spatial information, amino acid conservation, physicochemical variation, residue mobility, and thermodynamic stability) performed at Invitae indicates that this missense variant is expected to disrupt NF1 protein function with a positive predictive value of 95%. In summary, the available evidence is currently insufficient to determine the role of this variant in disease. Therefore, it has been classified as a Variant of Uncertain Significance.

NM_001042492.3(NF1):c.2782G>A (p.Ala928Thr)

Gene: NF1 (neurofibromin 1; plus strand). Cytogenetic location: 17q11.2.
Variant type: single nucleotide variant.
Coding change: c.2782G>A on transcript NM_001042492.3 (MANE Select); coding-DNA position 2782, G replaced by A.
Protein change: p.Ala928Thr; replaces alanine 928 with threonine.
Molecular consequence: missense variant.
Genome position (GRCh38, 1-based): chr17:31,229,397, G>A. VCF-style: chr17-31229397-G-A. GRCh37 (hg19) VCF-style: chr17-29556415-G-A.
Other names: c.2782G>A, p.Ala928Thr (NM_000267.4); short protein forms A928T.
Identifiers: ClinVar variation 457600 (VCV000457600.5), dbSNP rs1277935019, ClinGen allele CA398985578.